The following is an entry in ClinVar:

NM_001127208.3(TET2):c.992T>G (p.Ile331Arg)

Genes: TET2 (tet methylcytosine dioxygenase 2; plus strand), TET2-AS1 (TET2 antisense RNA 1; minus strand). Cytogenetic location: 4q24.
Variant type: single nucleotide variant.
Coding change: c.992T>G on transcript NM_001127208.3 (MANE Select); coding-DNA position 992, T replaced by G.
Protein change: p.Ile331Arg; replaces isoleucine 331 with arginine.
Molecular consequence: missense variant.
Genome position (GRCh38, 1-based): chr4:105,234,934, T>G. VCF-style: chr4-105234934-T-G. GRCh37 (hg19) VCF-style: chr4-106156091-T-G.
Other names: c.992T>G, p.Ile331Arg (NM_017628.4); short protein forms I331R.
Identifiers: ClinVar variation 3967479 (VCV003967479.1).

ClinVar aggregate classification (germline): Uncertain significance (1 of 4 stars; one submission).

gnomAD v4.1: 1 of 1,614,054 alleles (0.000062%); no homozygotes.

Submission:

Ambry Genetics
Classification: Uncertain significance. Last evaluated: 2025-03-22. Review status: criteria provided, single submitter. Criteria: Ambry Variant Classification Scheme 2023. Collection method: clinical testing. Allele origin: germline.
Comment: The p.I331R variant (also known as c.992T>G), located in coding exon 1 of the TET2 gene, results from a T to G substitution at nucleotide position 992. The isoleucine at codon 331 is replaced by arginine, an amino acid with similar properties. This amino acid position is conserved. In addition, this alteration is predicted to be tolerated by in silico analysis. Based on the available evidence, the clinical significance of this variant remains unclear.